The following is an entry in ClinVar:

ClinVar aggregate classification (germline): Uncertain significance (1 of 4 stars; one submission).

gnomAD v4.1: 28 of 1,611,426 alleles (0.0017%); highest among the groups gnomAD compares: South Asian, 0.029%; 1 homozygote.

Submission:

Ambry Genetics
Classification: Uncertain significance. Last evaluated: 2025-02-25. Review status: criteria provided, single submitter. Criteria: Ambry Variant Classification Scheme 2023. Collection method: clinical testing. Allele origin: germline.
Comment: The p.S687T variant (also known as c.2060G>C), located in coding exon 8 of the RNF43 gene, results from a G to C substitution at nucleotide position 2060. The serine at codon 687 is replaced by threonine, an amino acid with similar properties. This amino acid position is conserved. In addition, this alteration is predicted to be tolerated by in silico analysis. Based on the available evidence, the clinical significance of this variant remains unclear.

NM_017763.6(RNF43):c.2060G>C (p.Ser687Thr)

Gene: RNF43 (ring finger protein 43; minus strand). Cytogenetic location: 17q22.
Variant type: single nucleotide variant.
Coding change: c.2060G>C on transcript NM_017763.6 (MANE Select); coding-DNA position 2060, G replaced by C.
Protein change: p.Ser687Thr; replaces serine 687 with threonine.
Molecular consequence: missense variant.
Genome position (GRCh38, 1-based): chr17:58,357,716, C>G on the plus strand (G>C on the coding strand, the complement: RNF43 is on the minus strand). VCF-style: chr17-58357716-C-G. GRCh37 (hg19) VCF-style: chr17-56435077-C-G.
Other names: c.2060G>C, p.Ser687Thr (NM_001305544.3); c.1679G>C, p.Ser560Thr (NM_001305545.2); short protein forms S560T, S687T.
Identifiers: ClinVar variation 3789958 (VCV003789958.1).